The following is an entry in ClinVar:

ClinVar aggregate classification (germline): Uncertain significance (1 of 4 stars; one submission).

Submission:

Labcorp Genetics (formerly Invitae), Labcorp
Classification: Uncertain significance. Last evaluated: 2022-05-31. Review status: criteria provided, single submitter. Criteria: Invitae Variant Classification Sherloc (09022015). Collection method: clinical testing. Allele origin: germline.
Comment: This sequence change replaces lysine, which is basic and polar, with threonine, which is neutral and polar, at codon 3430 of the FRAS1 protein (p.Lys3430Thr). This variant is not present in population databases (gnomAD no frequency). This variant has not been reported in the literature in individuals affected with FRAS1-related conditions. Algorithms developed to predict the effect of missense changes on protein structure and function (SIFT, PolyPhen-2, Align-GVGD) all suggest that this variant is likely to be disruptive. In summary, the available evidence is currently insufficient to determine the role of this variant in disease. Therefore, it has been classified as a Variant of Uncertain Significance.

NM_025074.7(FRAS1):c.10289A>C (p.Lys3430Thr)

Gene: FRAS1 (Fraser extracellular matrix complex subunit 1; plus strand). Cytogenetic location: 4q21.21.
Variant type: single nucleotide variant.
Coding change: c.10289A>C on transcript NM_025074.7 (MANE Select); coding-DNA position 10289, A replaced by C.
Protein change: p.Lys3430Thr; replaces lysine 3430 with threonine.
Molecular consequence: missense variant.
Genome position (GRCh38, 1-based): chr4:78,515,913, A>C. VCF-style: chr4-78515913-A-C. GRCh37 (hg19) VCF-style: chr4-79437067-A-C.
Other names: short protein forms K3430T.
Identifiers: ClinVar variation 2050761 (VCV002050761.1), dbSNP rs1251861498, ClinGen allele CA357387018.